The following is an entry in ClinVar:

NM_001291303.3(FAT4):c.12274A>G (p.Ser4092Gly)

Gene: FAT4 (FAT atypical cadherin 4; plus strand). Cytogenetic location: 4q28.1.
Variant type: single nucleotide variant.
Coding change: c.12274A>G on transcript NM_001291303.3 (MANE Select); coding-DNA position 12274, A replaced by G.
Protein change: p.Ser4092Gly; replaces serine 4092 with glycine.
Molecular consequence: missense variant.
Genome position (GRCh38, 1-based): chr4:125,476,231, A>G. VCF-style: chr4-125476231-A-G. GRCh37 (hg19) VCF-style: chr4-126397386-A-G.
Other names: c.12274A>G, p.Ser4092Gly (NM_001291285.3); c.12268A>G, p.Ser4090Gly (NM_024582.6); c.12268A>G (NM_024582.4, NM_024582.5); short protein forms S4090G, S4092G.
Identifiers: ClinVar variation 1388007 (VCV001388007.8), dbSNP rs1326543871, ClinGen allele CA358130796.
Genomic context (GRCh38, chr4:125,476,231, plus strand): 5'-GCAGCCTCCTTAACTGTGGACTCCTGTTCTGAGAACCAAGAGCCAGGATATTGTACTGTC[A>G]GTAATGTGGCAGTTTCAGATGACTGGTAAGGAATAGGATTAGTTTAATTTTTATTATTAC-3'
Protein context (NP_001278232.1, residues 4082-4102): ENQEPGYCTV[Ser4092Gly]NVAVSDDWTL

ClinVar aggregate classification (germline): Uncertain significance. Review status: criteria provided, multiple submitters, no conflicts (2 of 4 stars). 3 submissions from 3 submitters: Uncertain significance (3). Last evaluated 2025-10-18.

Conditions:
Van Maldergem syndrome 2 (VMLDS2). Identifiers: Orphanet 314679, MedGen C3809875, MONDO:0014242, OMIM 615546.
Hennekam lymphangiectasia-lymphedema syndrome 2 (HKLLS2). Identifiers: Orphanet 2136, MedGen C4014939, MONDO:0014454, OMIM 616006.
Inborn genetic diseases. Identifiers: MedGen C0950123, MeSH D030342.

Allele frequency attached by ClinVar (database versions not stated): gnomAD 0.00001; gnomAD exomes 0.00001 and below 0.00001; TOPMed 0.00007.
gnomAD v4.1: 4 of 1,595,330 alleles (0.00025%); highest among the groups gnomAD compares: Admixed American, 0.005%; no homozygotes.

Submissions (3):

Labcorp Genetics (formerly Invitae), Labcorp
Classification: Uncertain significance. Last evaluated: 2025-10-18. Review status: criteria provided, single submitter. Criteria: Invitae Variant Classification Sherloc (09022015). Collection method: clinical testing. Allele origin: germline.
Comment: This sequence change replaces serine, which is neutral and polar, with glycine, which is neutral and non-polar, at codon 4090 of the FAT4 protein (p.Ser4090Gly). This variant is present in population databases (no rsID available, gnomAD 0.0009%). This variant has not been reported in the literature in individuals affected with FAT4-related conditions. ClinVar contains an entry for this variant (Variation ID: 1388007). Invitae Evidence Modeling of protein sequence and biophysical properties (such as structural, functional, and spatial information, amino acid conservation, physicochemical variation, residue mobility, and thermodynamic stability) indicates that this missense variant is not expected to disrupt FAT4 protein function with a negative predictive value of 95%. In summary, the available evidence is currently insufficient to determine the role of this variant in disease. Therefore, it has been classified as a Variant of Uncertain Significance.

Fulgent Genetics
Classification: Uncertain significance for Van Maldergem syndrome 2; Hennekam lymphangiectasia-lymphedema syndrome 2. Last evaluated: 2024-05-15. Review status: criteria provided, single submitter. Criteria: ACMG Guidelines, 2015. Collection method: clinical testing. Allele origin: germline.

Ambry Genetics
Classification: Uncertain significance for Inborn genetic diseases. Last evaluated: 2024-04-01. Review status: criteria provided, single submitter. Criteria: Ambry Variant Classification Scheme 2023. Collection method: clinical testing. Allele origin: germline.